The following is an entry in ClinVar:

NM_032043.3(BRIP1):c.2470G>T (p.Ala824Ser)

Gene: BRIP1 (BRCA1 interacting DNA helicase 1; minus strand). Cytogenetic location: 17q23.2.
Variant type: single nucleotide variant.
Coding change: c.2470G>T on transcript NM_032043.3 (MANE Select); coding-DNA position 2470, G replaced by T.
Protein change: p.Ala824Ser; replaces alanine 824 with serine.
Molecular consequence: missense variant.
Genome position (GRCh38, 1-based): chr17:61,715,973, C>A on the plus strand (G>T on the coding strand, the complement: BRIP1 is on the minus strand). VCF-style: chr17-61715973-C-A. GRCh37 (hg19) VCF-style: chr17-59793334-C-A.
Other names: short protein forms A824S.
Identifiers: ClinVar variation 2941362 (VCV002941362.3), dbSNP rs1603293334, ClinGen allele CA400479468.

ClinVar aggregate classification (germline): Uncertain significance (1 of 4 stars; one submission).

Conditions:
Fanconi anemia complementation group J. Also called: BRIP1-Related Fanconi Anemia. Identifiers: Orphanet 84, MedGen C1836860, MONDO:0012187, OMIM 609054.
Familial cancer of breast. Also called: BREAST CANCER, FAMILIAL; Hereditary breast cancer; hereditary breast carcinoma. Identifiers: Orphanet 227535, MedGen C0346153, MONDO:0016419, OMIM 114480. Disease mechanism: loss of function.

Submission:

Labcorp Genetics (formerly Invitae), Labcorp
Classification: Uncertain significance for Familial cancer of breast; Fanconi anemia complementation group J. Last evaluated: 2024-06-17. Review status: criteria provided, single submitter. Criteria: Invitae Variant Classification Sherloc (09022015). Collection method: clinical testing. Allele origin: germline.
Comment: This sequence change replaces alanine, which is neutral and non-polar, with serine, which is neutral and polar, at codon 824 of the BRIP1 protein (p.Ala824Ser). This variant is not present in population databases (gnomAD no frequency). This variant has not been reported in the literature in individuals affected with BRIP1-related conditions. Advanced modeling of protein sequence and biophysical properties (such as structural, functional, and spatial information, amino acid conservation, physicochemical variation, residue mobility, and thermodynamic stability) performed at Invitae indicates that this missense variant is expected to disrupt BRIP1 protein function with a positive predictive value of 80%. In summary, the available evidence is currently insufficient to determine the role of this variant in disease. Therefore, it has been classified as a Variant of Uncertain Significance.